The following is an entry in ClinVar:

NM_004859.4(CLTC):c.2070T>C (p.His690=)

Gene: CLTC (clathrin heavy chain; plus strand). Cytogenetic location: 17q23.1.
Variant type: single nucleotide variant.
Coding change: c.2070T>C on transcript NM_004859.4 (MANE Select); coding-DNA position 2070, T replaced by C.
Protein change: p.His690=; no amino-acid change (histidine 690 retained).
Molecular consequence: synonymous variant.
Genome position (GRCh38, 1-based): chr17:59,666,919, T>C. VCF-style: chr17-59666919-T-C. GRCh37 (hg19) VCF-style: chr17-57744280-T-C.
Other names: c.2082T>C, p.His694= (NM_001288653.2).
Identifiers: ClinVar variation 1651889 (VCV001651889.32), dbSNP rs775987197, ClinGen allele CA8681336.
Genomic context (GRCh38, chr17:59,666,919, plus strand): 5'-GCTGTCTGCCAACATCCGTCAGAATCTGCAGATTTGTGTTCAGGTGGCTTCTAAATATCA[T>C]GAACAACTGTCAACTCAGTCTCTGATTGAACTTTTTGAATCTTTCAAGAGTTTTGAAGGT-3'
Protein context (NP_004850.1, residues 680-700): QICVQVASKY[His690=]EQLSTQSLIE

ClinVar aggregate classification (germline): Likely benign. Review status: criteria provided, multiple submitters, no conflicts (2 of 4 stars). 2 submissions from 2 submitters: Likely benign (2). Last evaluated 2025-06-20.

Allele frequency attached by ClinVar (database versions not stated): ExAC 0.00002; gnomAD 0.00003; gnomAD exomes 0.00003 and 0.00006; TOPMed 0.00003.
gnomAD v4.1: 83 of 1,613,916 alleles (0.0051%); highest among the groups gnomAD compares: Non-Finnish European, 0.0069%; no homozygotes.

Submissions (2):

Labcorp Genetics (formerly Invitae), Labcorp
Classification: Likely benign. Last evaluated: 2025-06-20. Review status: criteria provided, single submitter. Criteria: Invitae Variant Classification Sherloc (09022015). Collection method: clinical testing. Allele origin: germline.

CeGaT Center for Human Genetics Tuebingen
Classification: Likely benign. Last evaluated: 2022-06-01. Review status: criteria provided, single submitter. Criteria: CeGaT Center For Human Genetics Tuebingen Variant Classification Criteria Version 2. Collection method: clinical testing. Allele origin: germline. Affected: yes. Observed: 2 variant alleles.
Comment: CLTC: BP4, BP7